The following is an entry in ClinVar:

NM_203447.4(DOCK8):c.2743G>A (p.Ala915Thr)

Gene: DOCK8 (dedicator of cytokinesis 8; plus strand). Cytogenetic location: 9p24.3.
Variant type: single nucleotide variant.
Coding change: c.2743G>A on transcript NM_203447.4 (MANE Select); coding-DNA position 2743, G replaced by A.
Protein change: p.Ala915Thr; replaces alanine 915 with threonine.
Molecular consequence: missense variant.
Genome position (GRCh38, 1-based): chr9:382,650, G>A. VCF-style: chr9-382650-G-A. GRCh37 (hg19) VCF-style: chr9-382650-G-A.
Other names: c.2539G>A, p.Ala847Thr (NM_001190458.2, NM_001193536.2); short protein forms A847T, A915T.
Identifiers: ClinVar variation 1391225 (VCV001391225.8), dbSNP rs2131298768, ClinGen allele CA372765397.
Genomic context (GRCh38, chr9:382,650, plus strand): 5'-CTGCTGCAGGCCCGGGTGATGAGCAGCAGTAACCCAGACCTCGCGGGGACACACTCCGCA[G>A]CAGACGAGGAAGTGAAGAACATCATGTCTTCAAAGGTAGGAAAGATGTCAAACCGTGGAA-3'
Protein context (NP_982272.2, residues 905-925): NPDLAGTHSA[Ala915Thr]DEEVKNIMSS

ClinVar aggregate classification (germline): Uncertain significance (1 of 4 stars; one submission).

Conditions:
Combined immunodeficiency due to DOCK8 deficiency (HIES2). Also called: HIES autosomal recessive; Hyper-IgE recurrent infection syndrome, autosomal recessive; HYPER-IgE RECURRENT INFECTION SYNDROME 2, AUTOSOMAL RECESSIVE; HYPER-IgE SYNDROME 2, AUTOSOMAL RECESSIVE, WITH RECURRENT INFECTIONS; DOCK8 Deficiency. Identifiers: Orphanet 217390, MedGen C4722305, MONDO:0009478, OMIM 243700.

Submission:

Labcorp Genetics (formerly Invitae), Labcorp
Classification: Uncertain significance for Combined immunodeficiency due to DOCK8 deficiency. Last evaluated: 2021-04-27. Review status: criteria provided, single submitter. Criteria: Invitae Variant Classification Sherloc (09022015). Collection method: clinical testing. Allele origin: germline.
Comment: This sequence change replaces alanine with threonine at codon 915 of the DOCK8 protein (p.Ala915Thr). The alanine residue is moderately conserved and there is a small physicochemical difference between alanine and threonine. This variant is not present in population databases (ExAC no frequency). This variant has not been reported in the literature in individuals with DOCK8-related conditions. Algorithms developed to predict the effect of missense changes on protein structure and function output the following: SIFT: "Tolerated"; PolyPhen-2: "Benign"; Align-GVGD: "Class C0". The threonine amino acid residue is found in multiple mammalian species, suggesting that this missense change does not adversely affect protein function. These predictions have not been confirmed by published functional studies and their clinical significance is uncertain. In summary, the available evidence is currently insufficient to determine the role of this variant in disease. Therefore, it has been classified as a Variant of Uncertain Significance.